The following is an entry in ClinVar:

ClinVar aggregate classification (germline): Uncertain significance (1 of 4 stars; one submission).

Submission:

GeneDx
Classification: Uncertain significance. Last evaluated: 2023-10-02. Review status: criteria provided, single submitter. Criteria: GeneDx Variant Classification Process June 2021. Collection method: clinical testing. Allele origin: germline. Affected: yes.
Comment: Not observed at significant frequency in large population cohorts (gnomAD); In silico analysis supports that this missense variant has a deleterious effect on protein structure/function; Has not been previously published as pathogenic or benign to our knowledge

NM_001244008.2(KIF1A):c.1826C>A (p.Ala609Asp)

Gene: KIF1A (kinesin family member 1A; minus strand). Cytogenetic location: 2q37.3.
Variant type: single nucleotide variant.
Coding change: c.1826C>A on transcript NM_001244008.2 (MANE Select); coding-DNA position 1826, C replaced by A.
Protein change: p.Ala609Asp; replaces alanine 609 with aspartic acid.
Molecular consequence: missense variant.
Genome position (GRCh38, 1-based): chr2:240,763,289, G>T on the plus strand (C>A on the coding strand, the complement: KIF1A is on the minus strand). VCF-style: chr2-240763289-G-T. GRCh37 (hg19) VCF-style: chr2-241702706-G-T.
Other names: c.1826C>A, p.Ala609Asp (NM_001320705.2, NM_001330289.2, NM_001379638.1); c.1901C>A, p.Ala634Asp (NM_001330290.2, NM_001379631.1, NM_001379634.1 and 2 more transcripts); c.1799C>A, p.Ala600Asp (NM_001379632.1, NM_001379633.1, NM_001379636.1 and 10 more transcripts); c.1874C>A, p.Ala625Asp (NM_001379637.1, NM_001379648.1); short protein forms A600D, A609D, A625D, A634D.
Identifiers: ClinVar variation 3252288 (VCV003252288.1), dbSNP rs751922417.